The following is an entry in ClinVar:

ClinVar aggregate classification (germline): Uncertain significance (1 of 4 stars; one submission).

Conditions:
Primary ciliary dyskinesia 3. Identifiers: Orphanet 244, MedGen C1837618, MONDO:0012085, OMIM 608644.

gnomAD v4.1: 2 of 1,613,818 alleles (0.00012%); highest among the groups gnomAD compares: South Asian, 0.0022%; no homozygotes.

Submission:

Juno Genomics, Hangzhou Juno Genomics, Inc
Classification: Uncertain significance for Primary ciliary dyskinesia 3. Review status: criteria provided, single submitter. Criteria: ACMG Guidelines, 2015. Collection method: clinical testing. Allele origin: germline. Affected: yes.
Comment: Absent from controls (or at extremely low frequency if recessive) in Genome Aggregation Database.;Multiple lines of computational evidence support a deleterious effect on the gene or gene product.;For recessive disorders, detected in trans with a pathogenic variant.;Patient's phenotype or family history is highly specific for a disease with a single genetic etiology.

NM_001369.3(DNAH5):c.10802C>G (p.Pro3601Arg)

Gene: DNAH5 (dynein axonemal heavy chain 5; minus strand). Cytogenetic location: 5p15.2.
Variant type: single nucleotide variant.
Coding change: c.10802C>G on transcript NM_001369.3 (MANE Select); coding-DNA position 10802, C replaced by G.
Protein change: p.Pro3601Arg; replaces proline 3601 with arginine.
Molecular consequence: missense variant.
Genome position (GRCh38, 1-based): chr5:13,753,303, G>C on the plus strand (C>G on the coding strand, the complement: DNAH5 is on the minus strand). VCF-style: chr5-13753303-G-C. GRCh37 (hg19) VCF-style: chr5-13753412-G-C.
Other names: short protein forms P3601R.
Identifiers: ClinVar variation 5019141 (VCV005019141.1).